The following is an entry in ClinVar:

NM_001040142.2(SCN2A):c.2603A>G (p.Asn868Ser)

Gene: SCN2A (sodium voltage-gated channel alpha subunit 2; plus strand). Cytogenetic location: 2q24.3.
Variant type: single nucleotide variant.
Coding change: c.2603A>G on transcript NM_001040142.2 (MANE Select); coding-DNA position 2603, A replaced by G.
Protein change: p.Asn868Ser; replaces asparagine 868 with serine.
Molecular consequence: missense variant.
Genome position (GRCh38, 1-based): chr2:165,344,595, A>G. VCF-style: chr2-165344595-A-G. GRCh37 (hg19) VCF-style: chr2-166201105-A-G.
Other names: c.2603A>G, p.Asn868Ser (NM_001040143.2, NM_001371246.1, NM_001371247.1 and 1 more transcripts); short protein forms N868S.
Identifiers: ClinVar variation 4849708 (VCV004849708.1).
Genomic context (GRCh38, chr2:165,344,595, plus strand): 5'-GTTCTTGCTTTTATTTCCAGCTCCGAGTTTTCAAGTTGGCAAAATCTTGGCCAACTCTAA[A>G]TATGCTAATTAAGATCATTGGCAATTCTGTGGGGGCTCTAGGAAACCTCACCTTGGTATT-3'
Protein context (NP_001035232.1, residues 858-878): FKLAKSWPTL[Asn868Ser]MLIKIIGNSV

ClinVar aggregate classification (germline): Uncertain significance (1 of 4 stars; one submission).

Conditions:
Developmental and epileptic encephalopathy, 11 (DEE11). Also called: Early infantile epileptic encephalopathy 11. Identifiers: Orphanet 1934, MedGen C3150987, MONDO:0013388, OMIM 613721.

gnomAD v4.1: 1 of 1,614,162 alleles (0.000062%); highest among the groups gnomAD compares: South Asian, 0.0011%; no homozygotes.

Submission:

Diagnostics Services (NGS), CSIR - Centre For Cellular And Molecular Biology
Classification: Uncertain significance for Developmental and epileptic encephalopathy, 11. Last evaluated: 2026-03-03. Review status: criteria provided, single submitter. Criteria: ACMG Guidelines, 2015. Collection method: clinical testing. Allele origin: germline. Observed: 1 variant allele, 1 heterozygote.
Comment: The c.2603A>G variant is not present in 1000 Genomes, EVS, gnomAD, Indian Exome Database or our internal database. This variant has neither been published in the literature for SCN2A-related conditions nor reported to clinical databases like Human Genome Mutation database (HGMD), OMIM, or ClinVar in any affected individuals. In-silico pathogenicity prediction programs like SIFT, Polephen-2, MutationTaster2, CADD, Franklin etc predicted this variant to be likely deleterious, however these predictions were not confirmed by published functional studies. This variant is located in a mutational hotspot region of the gene and a different amino acid change in the same codon (Asn868Lys) has been previously reported to the ClinVar database (Accession: VCV000206968.2) as ‘Likely Pathogenic’ by a single submitter.